The following is an entry in ClinVar:

ClinVar aggregate classification (germline): Uncertain significance. Review status: criteria provided, multiple submitters, no conflicts (2 of 4 stars). 5 submissions from 4 submitters: Uncertain significance (4). 1 of the submissions does not count toward it. Last evaluated 2023-11-04.

Conditions:
Usher syndrome type 2A. Also called: RETINAL DISEASE IN USHER SYNDROME TYPE IIA, MODIFIER OF; USHER SYNDROME, TYPE IIA. Identifiers: Orphanet 231178, Orphanet 886, MedGen C1848634, MONDO:0010169, OMIM 276901.
Retinitis pigmentosa 39 (RP39). Identifiers: Orphanet 791, MedGen C3151138, MONDO:0013436, OMIM 613809.

Allele frequency attached by ClinVar (database versions not stated): gnomAD 0.00001; TOPMed 0.00001; ESP Exome Variant Server 0.00008.
gnomAD v4.1: 1 of 1,613,984 alleles (0.000062%); highest among the groups gnomAD compares: Non-Finnish European, 0.000085%; no homozygotes.

Submissions (5):

Genome-Nilou Lab
Classification: Uncertain significance for Retinitis pigmentosa 39. Last evaluated: 2023-11-04. Review status: criteria provided, single submitter. Criteria: ACMG Guidelines, 2015. Collection method: clinical testing. Allele origin: germline. Affected: no.

Genome-Nilou Lab
Classification: Uncertain significance for Usher syndrome type 2A. Last evaluated: 2023-11-04. Review status: criteria provided, single submitter. Criteria: ACMG Guidelines, 2015. Collection method: clinical testing. Allele origin: germline. Affected: no.

Blueprint Genetics
Classification: Uncertain significance. Last evaluated: 2018-05-24. Review status: criteria provided, single submitter. Criteria: ACMG Guidelines, 2015. Collection method: clinical testing. Allele origin: germline.

GeneDx
Classification: Uncertain significance. Last evaluated: 2017-01-24. Review status: criteria provided, single submitter. Criteria: GeneDx Variant Classification (06012015). Collection method: clinical testing. Allele origin: germline. Affected: yes.
Comment: The G4139R variant in the USH2A gene has not been reported previously as a pathogenic variant, nor as a benign variant, to our knowledge. The G4139R variant was not observed at any significant frequency in approximately 6,500 individuals of European and African American ancestry in the NHLBI Exome Sequencing Project, indicating it is not a common benign variant in these populations. The G4139R variant is a non-conservative amino acid substitution, which is likely to impact secondary protein structure as these residues differ in polarity, charge, size and/or other properties. This substitution occurs at a position that is conserved across species. In silico analysis predicts this variant is probably damaging to the protein structure/function.We interpret G4139R as a variant of uncertain significance.

Natera, Inc.
Classification: Uncertain significance for Usher syndrome type 2A. Last evaluated: 2021-03-15. Review status: no assertion criteria provided. Collection method: clinical testing. Allele origin: germline. Not counted in ClinVar's aggregate classification.

NM_206933.4(USH2A):c.12415G>C (p.Gly4139Arg)

Gene: USH2A (usherin; minus strand). Cytogenetic location: 1q41.
Variant type: single nucleotide variant.
Coding change: c.12415G>C on transcript NM_206933.4 (MANE Select); coding-DNA position 12415, G replaced by C.
Protein change: p.Gly4139Arg; replaces glycine 4139 with arginine.
Molecular consequence: missense variant.
Genome position (GRCh38, 1-based): chr1:215,675,496, C>G on the plus strand (G>C on the coding strand, the complement: USH2A is on the minus strand). VCF-style: chr1-215675496-C-G. GRCh37 (hg19) VCF-style: chr1-215848838-C-G.
Other names: short protein forms G4139R.
Identifiers: ClinVar variation 393047 (VCV000393047.6), dbSNP rs138866017, ClinGen allele CA16603530.